The following is an entry in ClinVar:

NM_001142800.2(EYS):c.2309A>C (p.Gln770Pro)

Gene: EYS (EGF-like photoreceptor maintenance factor; minus strand). Cytogenetic location: 6q12.
Variant type: single nucleotide variant.
Coding change: c.2309A>C on transcript NM_001142800.2 (MANE Select); coding-DNA position 2309, A replaced by C.
Protein change: p.Gln770Pro; replaces glutamine 770 with proline.
Molecular consequence: missense variant.
Genome position (GRCh38, 1-based): chr6:64,945,865, T>G on the plus strand (A>C on the coding strand, the complement: EYS is on the minus strand). VCF-style: chr6-64945865-T-G. GRCh37 (hg19) VCF-style: chr6-65655758-T-G.
Other names: c.2309A>C, p.Gln770Pro (NM_001292009.2); short protein forms Q770P.
Identifiers: ClinVar variation 93604 (VCV000093604.38), dbSNP rs398123574, ClinGen allele CA221545.

ClinVar aggregate classification (germline): Conflicting classifications of pathogenicity. Review status: criteria provided, conflicting classifications (1 of 4 stars). 8 submissions from 8 submitters: Uncertain significance (2); Likely benign (4). 2 of the submissions do not count toward it. Last evaluated 2026-01-25.

Conditions:
EYS-related disorder. Also called: EYS-related condition.
Retinitis pigmentosa (RP). Identifiers: Orphanet 791, MedGen C0035334, MeSH D012174, MONDO:0019200, OMIM 268000. Inheritance: Autosomal dominant, autosomal recessive and X linked inheritance.
Retinitis pigmentosa 25 (RP25). Identifiers: Orphanet 791, MedGen C1864446, MONDO:0011272, OMIM 602772.

Allele frequency attached by ClinVar (database versions not stated): 1000 Genomes Project 30x 0.00141; TOPMed 0.00017; gnomAD 0.00019 and 0.00043; 1000 Genomes Project 0.00160.
gnomAD v4.1: 859 of 1,549,424 alleles (0.055%); highest among the groups gnomAD compares: South Asian, 0.63%; 5 homozygotes.

Submissions (8):

Labcorp Genetics (formerly Invitae), Labcorp
Classification: Likely benign. Last evaluated: 2026-01-25. Review status: criteria provided, single submitter. Criteria: Invitae Variant Classification Sherloc (09022015). Collection method: clinical testing. Allele origin: germline.

CeGaT Center for Human Genetics Tuebingen
Classification: Likely benign. Last evaluated: 2025-11-01. Review status: criteria provided, single submitter. Criteria: CeGaT Center For Human Genetics Tuebingen Variant Classification Criteria Version 2. Collection method: clinical testing. Allele origin: germline. Affected: yes. Observed: 1 variant allele.
Comment: EYS: BP4

Blueprint Genetics
Classification: Likely benign. Last evaluated: 2024-11-19. Review status: criteria provided, single submitter. Criteria: ACMG Guidelines, 2015. Collection method: clinical testing. Allele origin: germline.

Genome-Nilou Lab
Classification: Likely benign for Retinitis pigmentosa 25. Last evaluated: 2021-05-18. Review status: criteria provided, single submitter. Criteria: ACMG Guidelines, 2015. Collection method: clinical testing. Allele origin: germline. Affected: no.

Eurofins Ntd Llc (ga)
Classification: Uncertain significance. Last evaluated: 2018-06-14. Review status: criteria provided, single submitter. Criteria: EGL ClinVar v180209 classification definitions. Collection method: clinical testing. Allele origin: germline. Observed: 3 variant alleles, 3 heterozygotes.

Illumina Laboratory Services, Illumina
Classification: Uncertain significance for Retinitis pigmentosa. Last evaluated: 2018-01-13. Review status: criteria provided, single submitter. Criteria: ICSL Variant Classification Criteria 13 December 2019. Collection method: clinical testing. Allele origin: germline.

Natera, Inc.
Classification: Likely benign for Retinitis pigmentosa type 25. Last evaluated: 2020-07-21. Review status: no assertion criteria provided. Collection method: clinical testing. Allele origin: germline. Not counted in ClinVar's aggregate classification.

PreventionGenetics, part of Exact Sciences
Classification: Likely benign for EYS-related condition. Last evaluated: 2019-07-31. Review status: no assertion criteria provided. Collection method: clinical testing. Allele origin: germline. Not counted in ClinVar's aggregate classification.
Comment: This variant is classified as likely benign based on ACMG/AMP sequence variant interpretation guidelines (Richards et al. 2015 PMID: 25741868, with internal and published modifications).